The following is an entry in ClinVar:

NM_001276270.2(MBD4):c.476G>T (p.Ser159Ile)

Gene: MBD4 (methyl-CpG binding domain 4, DNA glycosylase; minus strand). Cytogenetic location: 3q21.3.
Variant type: single nucleotide variant.
Coding change: c.476G>T on transcript NM_001276270.2 (MANE Select); coding-DNA position 476, G replaced by T.
Protein change: p.Ser159Ile; replaces serine 159 with isoleucine.
Molecular consequence: missense variant. On other transcripts: intron variant (1).
Genome position (GRCh38, 1-based): chr3:129,437,168, C>A on the plus strand (G>T on the coding strand, the complement: MBD4 is on the minus strand). VCF-style: chr3-129437168-C-A. GRCh37 (hg19) VCF-style: chr3-129156011-C-A.
Other names: c.476G>T, p.Ser159Ile (NM_001276271.2, NM_001276272.2, NM_003925.3); c.247+640G>T (NM_001276273.2); short protein forms S159I.
Identifiers: ClinVar variation 4859589 (VCV004859589.1).
Genomic context (GRCh38, chr3:129,437,168, plus strand): 5'-CTGAGGTTCCAGTTTGAATTGTTACTTTGGTTTTGTAGATGGGATGTCAGGGCTGCCATG[C>A]TGCAGTCTTTATATCTTGACTTGATACCCCTTTTAGAAAGTACAGTAAAATCAAAATCTT-3'
Protein context (NP_001263199.1, residues 149-169): RGIKSRYKDC[Ser159Ile]MAALTSHLQN

ClinVar aggregate classification (germline): Uncertain significance (1 of 4 stars; one submission).

Conditions:
Inborn genetic diseases. Identifiers: MedGen C0950123, MeSH D030342.

Submission:

Ambry Genetics
Classification: Uncertain significance for Inborn genetic diseases. Last evaluated: 2026-04-22. Review status: criteria provided, single submitter. Criteria: Ambry Variant Classification Scheme 2023. Collection method: clinical testing. Allele origin: germline.
Comment: The p.S159I variant (also known as c.476G>T), located in coding exon 3 of the MBD4 gene, results from a G to T substitution at nucleotide position 476. The serine at codon 159 is replaced by isoleucine, an amino acid with dissimilar properties. This amino acid position is conserved. In addition, the in silico prediction for this alteration is inconclusive. Based on the available evidence, the clinical significance of this variant remains unclear.